The following is an entry in ClinVar:

NM_002691.4(POLD1):c.1142G>C (p.Trp381Ser)

Gene: POLD1 (DNA polymerase delta 1, catalytic subunit; plus strand). Cytogenetic location: 19q13.33.
Variant type: single nucleotide variant.
Coding change: c.1142G>C on transcript NM_002691.4 (MANE Select); coding-DNA position 1142, G replaced by C.
Protein change: p.Trp381Ser; replaces tryptophan 381 with serine.
Molecular consequence: missense variant. On other transcripts: non-coding transcript variant (1).
Genome position (GRCh38, 1-based): chr19:50,403,497, G>C. VCF-style: chr19-50403497-G-C. GRCh37 (hg19) VCF-style: chr19-50906754-G-C.
Other names: c.1142G>C (NM_002691.2); c.1142G>C, p.Trp381Ser (NM_001256849.1, NM_001308632.1); short protein forms W381S.
Identifiers: ClinVar variation 1484651 (VCV001484651.7), dbSNP rs1262890589, ClinGen allele CA406978430.
Genomic context (GRCh38, chr19:50,403,497, plus strand): 5'-AGGGGAATCCGAGGCAGGGCAACCACCAGGGTGACCCAATGTGCTCCCACCCCCAGGCCT[G>C]GTCCACCTTCATCCGTATCATGGACCCCGACGTGATCACCGGTTACAACATCCAGAACTT-3'
Protein context (NP_002682.2, residues 371-391): YEKEEDLLQA[Trp381Ser]STFIRIMDPD

ClinVar aggregate classification (germline): Uncertain significance. Review status: criteria provided, multiple submitters, no conflicts (2 of 4 stars). 2 submissions from 2 submitters: Uncertain significance (2). Last evaluated 2023-10-12.

Conditions:
POLD1-related polyposis and colorectal cancer syndrome (CRCS10). Also called: Colorectal cancer 10; COLORECTAL CANCER, SUSCEPTIBILITY TO, ON CHROMOSOME 19q; Colorectal cancer, susceptibility to, 10. Identifiers: Orphanet 220460, MedGen C2675481, MONDO:0012953, OMIM 612591.
Hereditary cancer-predisposing syndrome. Also called: Neoplastic Syndromes, Hereditary; Tumor predisposition; Hereditary Cancer Syndrome; Hereditary neoplastic syndrome. Identifiers: Orphanet 140162, MedGen C0027672, MeSH D009386, MONDO:0015356.

Allele frequency attached by ClinVar (database versions not stated): gnomAD 0.00001.
gnomAD v4.1: 1 of 1,612,752 alleles (0.000062%); highest among the groups gnomAD compares: African/African-American, 0.0013%; no homozygotes.

Submissions (2):

Ambry Genetics
Classification: Uncertain significance for Hereditary cancer-predisposing syndrome. Last evaluated: 2023-10-12. Review status: criteria provided, single submitter. Criteria: Ambry Variant Classification Scheme 2023. Collection method: clinical testing. Allele origin: germline.
Comment: The p.W381S variant (also known as c.1142G>C), located in coding exon 9 of the POLD1 gene, results from a G to C substitution at nucleotide position 1142. The tryptophan at codon 381 is replaced by serine, an amino acid with highly dissimilar properties. This amino acid position is conserved. In addition, the in silico prediction for this alteration is inconclusive. Since supporting evidence is limited at this time, the clinical significance of this alteration remains unclear.

Labcorp Genetics (formerly Invitae), Labcorp
Classification: Uncertain significance for POLD1-related polyposis and colorectal cancer syndrome. Last evaluated: 2021-10-17. Review status: criteria provided, single submitter. Criteria: Invitae Variant Classification Sherloc (09022015). Collection method: clinical testing. Allele origin: germline.
Comment: This sequence change replaces tryptophan with serine at codon 381 of the POLD1 protein (p.Trp381Ser). The tryptophan residue is highly conserved and there is a large physicochemical difference between tryptophan and serine. In summary, the available evidence is currently insufficient to determine the role of this variant in disease. Therefore, it has been classified as a Variant of Uncertain Significance. Algorithms developed to predict the effect of missense changes on protein structure and function are either unavailable or do not agree on the potential impact of this missense change (SIFT: "Deleterious"; PolyPhen-2: "Probably Damaging"; Align-GVGD: "Class C0"). This variant has not been reported in the literature in individuals affected with POLD1-related conditions. This variant is not present in population databases (ExAC no frequency).